The following is an entry in ClinVar:

NM_002834.5(PTPN11):c.473G>T (p.Gly158Val)

Gene: PTPN11 (protein tyrosine phosphatase non-receptor type 11; plus strand). Cytogenetic location: 12q24.13.
Variant type: single nucleotide variant.
Coding change: c.473G>T on transcript NM_002834.5 (MANE Select); coding-DNA position 473, G replaced by T.
Protein change: p.Gly158Val; replaces glycine 158 with valine.
Molecular consequence: missense variant.
Genome position (GRCh38, 1-based): chr12:112,453,335, G>T. VCF-style: chr12-112453335-G-T. GRCh37 (hg19) VCF-style: chr12-112891139-G-T.
Other names: c.473G>T, p.Gly158Val (NM_001330437.2, NM_080601.3); c.470G>T, p.Gly157Val (NM_001374625.1); short protein forms G158V, G157V.
Identifiers: ClinVar variation 2769483 (VCV002769483.3), dbSNP rs1555267825, ClinGen allele CA386781602.

ClinVar aggregate classification (germline): Uncertain significance (1 of 4 stars; one submission).

Conditions:
RASopathy. Also called: Noonan spectrum disorder; rasopathies. Identifiers: Orphanet 536391, MedGen C5555857, MONDO:0021060.

Submission:

Labcorp Genetics (formerly Invitae), Labcorp
Classification: Uncertain significance for RASopathy. Last evaluated: 2025-08-21. Review status: criteria provided, single submitter. Criteria: Invitae Variant Classification Sherloc (09022015). Collection method: clinical testing. Allele origin: germline.
Comment: This sequence change replaces glycine, which is neutral and non-polar, with valine, which is neutral and non-polar, at codon 158 of the PTPN11 protein (p.Gly158Val). This variant is not present in population databases (gnomAD no frequency). This variant has not been reported in the literature in individuals affected with PTPN11-related conditions. ClinVar contains an entry for this variant (Variation ID: 2769483). Invitae Evidence Modeling of protein sequence and biophysical properties (such as structural, functional, and spatial information, amino acid conservation, physicochemical variation, residue mobility, and thermodynamic stability) indicates that this missense variant is not expected to disrupt PTPN11 protein function with a negative predictive value of 80%. In summary, the available evidence is currently insufficient to determine the role of this variant in disease. Therefore, it has been classified as a Variant of Uncertain Significance.